The following is an entry in ClinVar:

NM_001111.5(ADAR):c.1257A>C (p.Leu419Phe)

Gene: ADAR (adenosine deaminase RNA specific; minus strand). Cytogenetic location: 1q21.3.
Variant type: single nucleotide variant.
Coding change: c.1257A>C on transcript NM_001111.5 (MANE Select); coding-DNA position 1257, A replaced by C.
Protein change: p.Leu419Phe; replaces leucine 419 with phenylalanine.
Molecular consequence: missense variant.
Genome position (GRCh38, 1-based): chr1:154,601,385, T>G on the plus strand (A>C on the coding strand, the complement: ADAR is on the minus strand). VCF-style: chr1-154601385-T-G. GRCh37 (hg19) VCF-style: chr1-154573861-T-G.
Other names: c.372A>C, p.Leu124Phe (NM_001025107.3, NM_001193495.2, NM_001365046.1 and 3 more transcripts); c.1284A>C, p.Leu428Phe (NM_001365045.1); c.1257A>C, p.Leu419Phe (NM_015840.4, NM_015841.4); short protein forms L124F, L428F, L419F.
Identifiers: ClinVar variation 848690 (VCV000848690.9), dbSNP rs1697861504, ClinGen allele CA342597011.

ClinVar aggregate classification (germline): Uncertain significance (1 of 4 stars; one submission).

Conditions:
Aicardi-Goutieres syndrome 6 (AGS6). Identifiers: Orphanet 51, MedGen C3539013, MONDO:0014007, OMIM 615010.
Symmetrical dyschromatosis of extremities (DSH). Also called: Dyschromatosis symmetrica hereditaria; DYSCHROMATOSIS SYMMETRICA HEREDITARIA 1; RETICULATE ACROPIGMENTATION OF DOHI; SYMMETRIC DYSCHROMATOSIS OF THE EXTREMITIES. Identifiers: Orphanet 41, MedGen C0406775, MONDO:0007483, OMIM 127400.

Submission:

Labcorp Genetics (formerly Invitae), Labcorp
Classification: Uncertain significance for Aicardi-Goutieres syndrome 6; Symmetrical dyschromatosis of extremities. Last evaluated: 2019-12-04. Review status: criteria provided, single submitter. Criteria: Invitae Variant Classification Sherloc (09022015). Collection method: clinical testing. Allele origin: germline.
Comment: In summary, the available evidence is currently insufficient to determine the role of this variant in disease. Therefore, it has been classified as a Variant of Uncertain Significance. Algorithms developed to predict the effect of missense changes on protein structure and function (SIFT, PolyPhen-2, Align-GVGD) all suggest that this variant is likely to be tolerated, but these predictions have not been confirmed by published functional studies and their clinical significance is uncertain. This variant has not been reported in the literature in individuals with ADAR-related conditions. This variant is not present in population databases (ExAC no frequency). This sequence change replaces leucine with phenylalanine at codon 419 of the ADAR protein (p.Leu419Phe). The leucine residue is weakly conserved and there is a small physicochemical difference between leucine and phenylalanine.